The following is an entry in ClinVar:

ClinVar aggregate classification (germline): Uncertain significance (1 of 4 stars; one submission).

Submission:

GeneDx
Classification: Uncertain significance. Last evaluated: 2023-12-17. Review status: criteria provided, single submitter. Criteria: GeneDx Variant Classification Process June 2021. Collection method: clinical testing. Allele origin: germline. Affected: yes.
Comment: Has not been previously published as pathogenic or benign to our knowledge; Not observed at significant frequency in large population cohorts (gnomAD); Frameshift variant predicted to result in abnormal protein length as the last 52 amino acids are replaced with 55 different amino acids in a gene for which loss-of-function is not an established mechanism of disease

NM_004593.3(TRA2B):c.708_709dup (p.Ser237fs)

Gene: TRA2B (transformer 2 beta homolog; minus strand). Cytogenetic location: 3q27.2.
Variant type: Microsatellite.
Coding change: c.708_709dup on transcript NM_004593.3 (MANE Select); coding-DNA positions 708 to 709, 2 bases duplicated (TA; older notation c.708_709dupTA).
Protein change: p.Ser237fs; shifts the reading frame from serine 237.
Molecular consequence: frameshift variant.
Genome position (GRCh38, 1-based): chr3:185,921,117-185,921,118, TA duplicated on the plus strand (TA on the coding strand, the reverse complement: TRA2B is on the minus strand); duplicating any 2 consecutive bases within chr3:185,921,117-185,921,120 gives the same sequence; the c. name uses the placement nearest the transcript's 3' end. VCF-style (leftmost placement, unchanged base first): chr3-185921116-C-CTA. GRCh37 (hg19) VCF-style: chr3-185638904-C-CTA.
Other names: c.408_409dup, p.Ser137fs (NM_001243879.2); short protein forms S137fs, S237fs.
Identifiers: ClinVar variation 3365932 (VCV003365932.1).